The following is an entry in ClinVar:

NM_020843.4(SCAPER):c.734G>A (p.Cys245Tyr)

Gene: SCAPER (S-phase cyclin A associated protein in the ER; minus strand). Cytogenetic location: 15q24.3.
Variant type: single nucleotide variant.
Coding change: c.734G>A on transcript NM_020843.4 (MANE Select); coding-DNA position 734, G replaced by A.
Protein change: p.Cys245Tyr; replaces cysteine 245 with tyrosine.
Molecular consequence: missense variant. On other transcripts: 5 prime UTR variant (1), non-coding transcript variant (1).
Genome position (GRCh38, 1-based): chr15:76,795,318, C>T on the plus strand (G>A on the coding strand, the complement: SCAPER is on the minus strand). VCF-style: chr15-76795318-C-T. GRCh37 (hg19) VCF-style: chr15-77087659-C-T.
Other names: c.-164G>A (NM_001145923.2); c.734G>A, p.Cys245Tyr (NM_001353009.2); c.332G>A, p.Cys111Tyr (NM_001353010.2, NM_001353011.2, NM_001353012.2); short protein forms C111Y, C245Y.
Identifiers: ClinVar variation 4984779 (VCV004984779.1).
Genomic context (GRCh38, chr15:76,795,318, plus strand): 5'-TGGCTAATTCGAAGTCACTTGCCATTTTTGCGTGAGGCCTTCTGCACTGTCATTGGTGGG[C>T]AAGACTGGGCGGGTGTTATTTCTGAAGAAGCAGTAGAGCCTGTATGATGAGCCTTTACCT-3'
Protein context (NP_065894.2, residues 235-255): ASSEITPAQS[Cys245Tyr]PPMTVQKASR

ClinVar aggregate classification (germline): Uncertain significance (1 of 4 stars; one submission).

Conditions:
SCAPER-related disorder. Also called: SCAPER-related condition.

Submission:

PreventionGenetics, part of Exact Sciences
Classification: Uncertain significance for SCAPER-related condition. Last evaluated: 2025-12-15. Review status: criteria provided, single submitter. Criteria: ACMG Guidelines, 2015. Collection method: clinical testing. Allele origin: germline.
Comment: The SCAPER c.734G>A variant is predicted to result in the amino acid substitution p.Cys245Tyr. To our knowledge, this variant has not been reported in the literature or in a large population database (gnomAD), indicating this variant is rare. At this time, the clinical significance of this variant is uncertain due to the absence of conclusive functional and genetic evidence.